The following is an entry in ClinVar:

ClinVar aggregate classification (germline): Uncertain significance (1 of 4 stars; one submission).

Conditions:
Inborn genetic diseases. Identifiers: MedGen C0950123, MeSH D030342.

Submission:

Ambry Genetics
Classification: Uncertain significance for Inborn genetic diseases. Last evaluated: 2024-12-29. Review status: criteria provided, single submitter. Criteria: Ambry Variant Classification Scheme 2023. Collection method: clinical testing. Allele origin: germline.
Comment: The p.E513Q variant (also known as c.1537G>C), located in coding exon 12 of the ASXL1 gene, results from a G to C substitution at nucleotide position 1537. The glutamic acid at codon 513 is replaced by glutamine, an amino acid with highly similar properties. This amino acid position is conserved. In addition, this alteration is predicted to be tolerated by in silico analysis. Based on the available evidence, the clinical significance of this variant remains unclear.

NM_015338.6(ASXL1):c.1537G>C (p.Glu513Gln)

Gene: ASXL1 (ASXL transcriptional regulator 1; plus strand). Cytogenetic location: 20q11.21.
Variant type: single nucleotide variant.
Coding change: c.1537G>C on transcript NM_015338.6 (MANE Select); coding-DNA position 1537, G replaced by C.
Protein change: p.Glu513Gln; replaces glutamic acid 513 with glutamine.
Molecular consequence: missense variant.
Genome position (GRCh38, 1-based): chr20:32,433,735, G>C. VCF-style: chr20-32433735-G-C. GRCh37 (hg19) VCF-style: chr20-31021538-G-C.
Other names: c.1354G>C, p.Glu452Gln (NM_001363734.1); short protein forms E452Q, E513Q.
Identifiers: ClinVar variation 3791731 (VCV003791731.1).